The following is an entry in ClinVar:

ClinVar aggregate classification (germline): Likely pathogenic (1 of 4 stars; one submission).

Conditions:
Chronic granulomatous disease. Identifiers: Orphanet 379, MedGen C0018203, MONDO:0018305.

Submission:

Natera, Inc.
Classification: Likely pathogenic for Chronic granulomatous disease. Last evaluated: 2024-10-02. Review status: criteria provided, single submitter. Criteria: Natera Variant Classification Schema (03/2026). Collection method: clinical testing. Allele origin: germline.
Comment: The c.466_*2del variant in CYBA is a frameshift variant predicted to shift the reading frame and introduce a stop codon. This variant is expected to result in nonsense mediated decay, truncation, or a dysfunctional protein product. This variant is rare in the general population with a frequency below the threshold expected for the associated phenotype(s). Given the available evidence, this variant is classified as Likely Pathogenic.

NM_000101.4(CYBA):c.466_*2del (p.Pro156fs)

Gene: CYBA (cytochrome b-245 alpha chain; minus strand). Cytogenetic location: 16q24.2.
Variant type: Deletion.
Coding change: c.466_*2del on transcript NM_000101.4 (MANE Select); coding-DNA position 466 through 2 bases downstream of the stop codon, 125 bases deleted.
Protein change: p.Pro156fs; shifts the reading frame from proline 156.
Molecular consequence: frameshift variant.
Genome position (GRCh38, 1-based): chr16:88,643,351-88,643,475, 125 bases deleted. GRCh37 (hg19): chr16:88,709,761-88,709,885.
Other names: short protein forms P156fs.
Identifiers: ClinVar variation 4817429 (VCV004817429.1).